The following is an entry in ClinVar:

ClinVar aggregate classification (germline): Pathogenic (1 of 4 stars; one submission).

Conditions:
Alzheimer disease 3 (AD3). Also called: ALZHEIMER DISEASE, FAMILIAL, 3. Identifiers: Orphanet 1020, MedGen C1843013, MONDO:0011913, OMIM 607822.
Frontotemporal dementia (FTD1). Also called: Frontotemporal lobe dementia (FLDEM); FRONTOTEMPORAL LOBAR DEGENERATION WITH TAU INCLUSIONS; FTLD WITH TAU INCLUSIONS; Dementia, frontotemporal, with or without parkinsonism; Frontotemporal Dementia with Parkinsonism-17 (FTDP-17); FRONTOTEMPORAL DEMENTIA WITH PARKINSONISM. Identifiers: Orphanet 282, MedGen C0338451, MONDO:0017276, OMIM 600274, HP:0002145.
Pick disease. Also called: PICK DISEASE OF BRAIN; DEMENTIA WITH LOBAR ATROPHY AND NEURONAL CYTOPLASMIC INCLUSIONS; LOBAR ATROPHY OF BRAIN; Pick's disease; Pick Disease of the Brain. Identifiers: Orphanet 282, MedGen C0236642, MONDO:0008243, OMIM 172700.
Acne inversa, familial, 3 (ACNINV3). Identifiers: MedGen C3151038, MONDO:0013398, OMIM 613737.

Submission:

Labcorp Genetics (formerly Invitae), Labcorp
Classification: Pathogenic for Alzheimer disease 3; Pick disease; Acne inversa, familial, 3; Frontotemporal dementia. Last evaluated: 2022-12-19. Review status: criteria provided, single submitter. Criteria: Invitae Variant Classification Sherloc (09022015). Collection method: clinical testing. Allele origin: germline.
Comment: For these reasons, this variant has been classified as Pathogenic. Experimental studies have shown that this missense change affects PSEN1 function (PMID: 30021643, 32087291). Advanced modeling of protein sequence and biophysical properties (such as structural, functional, and spatial information, amino acid conservation, physicochemical variation, residue mobility, and thermodynamic stability) performed at Invitae indicates that this missense variant is expected to disrupt PSEN1 protein function. This missense change has been observed in individuals with early-onset Alzheimer disease (PMID: 23752245, 28532646, 34389718). It has also been observed to segregate with disease in related individuals. This variant is not present in population databases (gnomAD no frequency). This sequence change replaces methionine, which is neutral and non-polar, with valine, which is neutral and non-polar, at codon 84 of the PSEN1 protein (p.Met84Val).

Literature cited by the submitters: PubMed 30021643; PubMed 32087291; PubMed 23752245; PubMed 28532646; PubMed 34389718.

NM_000021.4(PSEN1):c.250A>G (p.Met84Val)

Gene: PSEN1 (presenilin 1; plus strand). Cytogenetic location: 14q24.2.
Variant type: single nucleotide variant.
Coding change: c.250A>G on transcript NM_000021.4 (MANE Select); coding-DNA position 250, A replaced by G.
Protein change: p.Met84Val; replaces methionine 84 with valine.
Molecular consequence: missense variant.
Genome position (GRCh38, 1-based): chr14:73,170,959, A>G. VCF-style: chr14-73170959-A-G. GRCh37 (hg19) VCF-style: chr14-73637667-A-G.
Other names: c.238A>G, p.Met80Val (NM_007318.3); short protein forms M84V, M80V.
Identifiers: ClinVar variation 2925522 (VCV002925522.3), dbSNP rs749249788, ClinGen allele CA390303217.
Genomic context (GRCh38, chr14:73,170,959, plus strand): 5'-GAGCAAGATGAGGAAGAAGATGAGGAGCTGACATTGAAATATGGCGCCAAGCATGTGATC[A>G]TGCTCTTTGTCCCTGTGACTCTCTGCATGGTGGTGGTCGTGGCTACCATTAAGTCAGTCA-3'
Protein context (NP_000012.1, residues 74-94): TLKYGAKHVI[Met84Val]LFVPVTLCMV